The following is an entry in ClinVar:

NM_000552.5(VWF):c.1110-6dup

Gene: VWF (von Willebrand factor; minus strand). Cytogenetic location: 12p13.31.
Variant type: Duplication.
Coding change: c.1110-6dup on transcript NM_000552.5 (MANE Select); 6 bases into the intron before coding-DNA position 1110, one base duplicated (C; older notation c.1110-6dupC).
Molecular consequence: intron variant.
Genome position (GRCh38, 1-based): chr12:6,071,349, G duplicated on the plus strand (C on the coding strand, the reverse complement: VWF is on the minus strand); the first of 2 consecutive G bases (chr12:6,071,349-6,071,350); duplicating either gives the same sequence. VCF-style (leftmost placement, unchanged base first): chr12-6071348-T-TG. GRCh37 (hg19) VCF-style: chr12-6180514-T-TG.
Other names: c.1110-6dupC (NM_000552.4, NM_000552.5, NM_000552.3).
Identifiers: ClinVar variation 507028 (VCV000507028.17), dbSNP rs534403271, ClinGen allele CA6403539.

ClinVar aggregate classification (germline): Uncertain significance. Review status: reviewed by expert panel (3 of 4 stars). 8 submissions from 8 submitters: Uncertain significance (1). 7 of the submissions do not count toward it. Last evaluated 2026-04-07.

Conditions:
VWF-related disorder. Also called: VWF-related condition; VWF-related disorders.
Hereditary von Willebrand disease. Identifiers: Orphanet 903, MedGen C5703318, MONDO:0019565. Inheritance: Autosomal recessive or Autosomal dominant.

Submissions (8):

ClinGen von Willebrand Disease Variant Curation Expert Panel, ClinGen
Classification: Uncertain significance for Hereditary von Willebrand disease. Last evaluated: 2026-04-07. Review status: reviewed by expert panel. Criteria: ClinGen VWD 2A B M Rules. Collection method: curation. Allele origin: germline.
Comment: The NM_000552.5:c.1110-6dup variant in VWF is an intronic variant which is in the intron 9 acceptor region. The computational splicing predictor SpliceAI indicated that the variant has no impact on splicing giving a score of 0.02 for acceptor loss (BP4). The Grpmax filtering allele frequency in gnomAD v4.1 is 0.0009678 (based on 1142/1180006 alleles in the European non-Finnish population; in addition to 2 homozygotes). This intermediate allele frequency is lower than the ClinGen VWD VCEP threshold (>0.01) for BS1 but higher than the threshold (<0.0001 for type 2A) for PM2_Supporting. In summary, this variant meets the criteria to be classified as a variant of uncertain significance for hereditary von Willebrand disease based on the ACMG/AMP criteria applied, as specified by the ClinGen VWD VCEP: BP4 (ClinGen von Willebrand Disease Expert Panel Specifications to the ACMG/AMP Variant Interpretation Guidelines for VWF Version 1.0.0)

Women's Health and Genetics/Laboratory Corporation of America, LabCorp
Classification: Likely benign. Last evaluated: 2026-06-20. Review status: criteria provided, single submitter. Criteria: LabCorp Variant Classification Summary - May 2015. Collection method: clinical testing. Allele origin: germline. Not counted in ClinVar's aggregate classification.
Comment: Variant summary: VWF c.1110-6dupC alters a nucleotide located at a position not widely known to affect splicing. Consensus agreement among computation tools predict no significant impact on normal splicing. However, these predictions have yet to be confirmed by functional studies. The variant allele was found at a frequency of 0.00065 in 251026 control chromosomes, predominantly at a frequency of 0.0012 within the Non-Finnish European subpopulation in the gnomAD database. This frequency is not significantly higher than estimated for disease-causing variants in VWF, allowing no conclusion about variant significance. c.1110-6dupC has been observed in an individual affected with VWD Type 2A (Yadegari_2026). This report does not provide unequivocal conclusions about association of the variant with disease. To our knowledge, no experimental evidence demonstrating an impact on protein function has been reported. The following publication has been ascertained in the context of this evaluation (PMID: 40393667). ClinVar contains an entry for this variant (Variation ID: 507028). Based on the evidence outlined above, the variant was classified as likely benign.

PreventionGenetics, part of Exact Sciences
Classification: Likely benign for VWF-related condition. Last evaluated: 2025-09-19. Review status: criteria provided, single submitter. Criteria: ACMG Guidelines, 2015. Collection method: clinical testing. Allele origin: germline. Not counted in ClinVar's aggregate classification.
Comment: This variant is classified as likely benign based on ACMG/AMP sequence variant interpretation guidelines (Richards et al. 2015 PMID: 25741868, with internal and published modifications).

Blueprint Genetics
Classification: Likely benign. Last evaluated: 2024-09-20. Review status: criteria provided, single submitter. Criteria: ACMG Guidelines, 2015. Collection method: clinical testing. Allele origin: germline. Not counted in ClinVar's aggregate classification.

Quest Diagnostics Nichols Institute San Juan Capistrano
Classification: Uncertain significance. Last evaluated: 2022-07-01. Review status: criteria provided, single submitter. Criteria: Quest Diagnostics criteria. Collection method: clinical testing. Allele origin: unknown. Not counted in ClinVar's aggregate classification.
Comment: To the best of our knowledge, the variant has not been reported in the published literature. The frequency of this variant in the general population, 0.0014 (37/26114 chromosomes), is uninformative in assessment of its pathogenicity. Analysis of this variant using software algorithms for the prediction of the effect of nucleotide changes on splicing yielded predictions that this variant does not affect VWF mRNA splicing .Based on the available information, we are unable to determine the clinical significance of this variant.

GeneDx
Classification: Likely benign. Last evaluated: 2017-01-20. Review status: criteria provided, single submitter. Criteria: GeneDx Variant Classification (06012015). Collection method: clinical testing. Allele origin: germline. Affected: yes. Not counted in ClinVar's aggregate classification.
Comment: This variant is considered likely benign or benign based on one or more of the following criteria: it is a conservative change, it occurs at a poorly conserved position in the protein, it is predicted to be benign by multiple in silico algorithms, and/or has population frequency not consistent with disease.

Clinical Genetics DNA and cytogenetics Diagnostics Lab, Erasmus MC, Erasmus Medical Center
Classification: Likely benign. Review status: no assertion criteria provided. Collection method: clinical testing. Allele origin: germline. Affected: yes. Study: VKGL Data-share Consensus. Not counted in ClinVar's aggregate classification.

Genome Diagnostics Laboratory, University Medical Center Utrecht
Classification: Benign. Review status: no assertion criteria provided. Collection method: clinical testing. Allele origin: germline. Affected: yes. Study: VKGL Data-share Consensus. Not counted in ClinVar's aggregate classification.

Literature cited by the submitters: PubMed 40393667 (cited by Women's Health and Genetics/Laboratory Corporation of America, LabCorp).